The following is an entry in ClinVar:

ClinVar aggregate classification (germline): Pathogenic/Likely pathogenic. Review status: criteria provided, multiple submitters, no conflicts (2 of 4 stars). 2 submissions from 2 submitters: Pathogenic (1); Likely pathogenic (1). Last evaluated 2023-06-22.

Conditions:
Alstrom syndrome (ALMS). Identifiers: Orphanet 64, MedGen C0268425, MONDO:0008763, OMIM 203800.
ALMS1-related disorder. Also called: ALMS1-related condition.

gnomAD v4.1: 1 of 1,614,056 alleles (0.000062%); highest among the groups gnomAD compares: Non-Finnish European, 0.000085%; no homozygotes.

Submissions (2):

Labcorp Genetics (formerly Invitae), Labcorp
Classification: Pathogenic for Alstrom syndrome. Last evaluated: 2023-06-22. Review status: criteria provided, single submitter. Criteria: Invitae Variant Classification Sherloc (09022015). Collection method: clinical testing. Allele origin: germline.
Comment: ClinVar contains an entry for this variant (Variation ID: 403943). This sequence change creates a premature translational stop signal (p.Ser2416*) in the ALMS1 gene. It is expected to result in an absent or disrupted protein product. Loss-of-function variants in ALMS1 are known to be pathogenic (PMID: 17594715). This variant is not present in population databases (gnomAD no frequency). This variant has not been reported in the literature in individuals affected with ALMS1-related conditions. For these reasons, this variant has been classified as Pathogenic.

Blueprint Genetics
Classification: Likely pathogenic for ALMS1-related disorders. Last evaluated: 2023-05-04. Review status: criteria provided, single submitter. Criteria: ACMG Guidelines, 2015. Collection method: clinical testing. Allele origin: germline. Affected: yes. Observed: 5 variant alleles.

Literature cited by the submitters: PubMed 17594715 (cited by Labcorp Genetics (formerly Invitae), Labcorp).

NM_001378454.1(ALMS1):c.7244C>A (p.Ser2415Ter)

Gene: ALMS1 (ALMS1 centrosome and basal body associated protein; plus strand). Cytogenetic location: 2p13.1.
Variant type: single nucleotide variant.
Coding change: c.7244C>A on transcript NM_001378454.1 (MANE Select); coding-DNA position 7244, C replaced by A.
Protein change: p.Ser2415Ter; replaces serine 2415 with a stop codon.
Molecular consequence: nonsense.
Genome position (GRCh38, 1-based): chr2:73,453,771, C>A. VCF-style: chr2-73453771-C-A. GRCh37 (hg19) VCF-style: chr2-73680898-C-A.
Other names: c.7247C>A, p.Ser2416Ter (NM_015120.4); short protein forms S2416*, S2415*.
Identifiers: ClinVar variation 403943 (VCV000403943.8), dbSNP rs1060500039, ClinGen allele CA16611015.